The following is an entry in ClinVar:

ClinVar aggregate classification (germline): Uncertain significance (0 of 4 stars; one submission).

Conditions:
HIRA-related disorder.

Submission:

PreventionGenetics, part of Exact Sciences
Classification: Uncertain significance for HIRA-related condition. Last evaluated: 2024-07-30. Review status: no assertion criteria provided. Collection method: clinical testing. Allele origin: germline.
Comment: The HIRA c.1444A>G variant is predicted to result in the amino acid substitution p.Ile482Val. To our knowledge, this variant has not been reported in the literature or in a large population database, indicating this variant is rare. At this time, the clinical significance of this variant is uncertain due to the absence of conclusive functional and genetic evidence.

NM_003325.4(HIRA):c.1444A>G (p.Ile482Val)

Gene: HIRA (histone cell cycle regulator; minus strand). Cytogenetic location: 22q11.21.
Variant type: single nucleotide variant.
Coding change: c.1444A>G on transcript NM_003325.4 (MANE Select); coding-DNA position 1444, A replaced by G.
Protein change: p.Ile482Val; replaces isoleucine 482 with valine.
Molecular consequence: missense variant.
Genome position (GRCh38, 1-based): chr22:19,378,038, T>C on the plus strand (A>G on the coding strand, the complement: HIRA is on the minus strand). VCF-style: chr22-19378038-T-C. GRCh37 (hg19) VCF-style: chr22-19365561-T-C.
Other names: short protein forms I482V.
Identifiers: ClinVar variation 3345230 (VCV003345230.1).
Genomic context (GRCh38, chr22:19,378,038, plus strand): 5'-GTAGCTGTGGACTGCTATGAGAAGAGAGCATGGTGCCCGCCAGGGAGCCCGAGAGGGGGA[T>C]GCTGTTAAAGAATGCCGTGGAGAAGTCCCTGTCATCAAGTAAGAACAAAAGTCAGCCTTG-3'
Protein context (NP_003316.3, residues 472-492): GDFSTAFFNS[Ile482Val]PLSGSLAGTM